The following is an entry in ClinVar:

ClinVar aggregate classification (germline): Uncertain significance. Review status: criteria provided, multiple submitters, no conflicts (2 of 4 stars). 3 submissions from 3 submitters: Uncertain significance (3). Last evaluated 2025-10-08.

Conditions:
Hereditary cancer-predisposing syndrome. Also called: Hereditary neoplastic syndrome; Neoplastic Syndromes, Hereditary; Tumor predisposition; Hereditary Cancer Syndrome. Identifiers: Orphanet 140162, MedGen C0027672, MeSH D009386, MONDO:0015356.
Familial adenomatous polyposis 1 (FAP1). Also called: POLYPOSIS, ADENOMATOUS INTESTINAL; FAMILIAL ADENOMATOUS POLYPOSIS 1, ATTENUATED. Identifiers: MedGen C2713442, MONDO:0021056, OMIM 175100. Disease mechanism: loss of function.

Allele frequency attached by ClinVar (database versions not stated): TOPMed below 0.00001; gnomAD exomes 0.00001.

Submissions (3):

Ambry Genetics
Classification: Uncertain significance for Hereditary cancer-predisposing syndrome. Last evaluated: 2025-10-08. Review status: criteria provided, single submitter. Criteria: Ambry Variant Classification Scheme 2023. Collection method: clinical testing. Allele origin: germline.
Comment: The p.G2294R variant (also known as c.6880G>A), located in coding exon 15 of the APC gene, results from a G to A substitution at nucleotide position 6880. The glycine at codon 2294 is replaced by arginine, an amino acid with dissimilar properties. This amino acid position is well conserved in available vertebrate species. In addition, in silico predictors for this gene do not accurately predict pathogenicity. Missense alterations in APC are not a common cause of disease (Spier I et al. Genet Med. 2024 Feb;26(2):100992). Based on the available evidence, the clinical significance of this variant remains unclear.

Labcorp Genetics (formerly Invitae), Labcorp
Classification: Uncertain significance for Familial adenomatous polyposis 1. Last evaluated: 2024-12-24. Review status: criteria provided, single submitter. Criteria: Invitae Variant Classification Sherloc (09022015). Collection method: clinical testing. Allele origin: germline.
Comment: This sequence change replaces glycine, which is neutral and non-polar, with arginine, which is basic and polar, at codon 2294 of the APC protein (p.Gly2294Arg). This variant is not present in population databases (gnomAD no frequency). This variant has not been reported in the literature in individuals affected with APC-related conditions. ClinVar contains an entry for this variant (Variation ID: 470067). Invitae Evidence Modeling of protein sequence and biophysical properties (such as structural, functional, and spatial information, amino acid conservation, physicochemical variation, residue mobility, and thermodynamic stability) indicates that this missense variant is not expected to disrupt APC protein function with a negative predictive value of 95%. In summary, the available evidence is currently insufficient to determine the role of this variant in disease. Therefore, it has been classified as a Variant of Uncertain Significance.

Mendelics
Classification: Uncertain significance. Last evaluated: 2022-05-04. Review status: criteria provided, single submitter. Criteria: Mendelics Assertion Criteria 2019. Collection method: clinical testing. Allele origin: germline.

NM_000038.6(APC):c.6880G>A (p.Gly2294Arg)

Gene: APC (APC regulator of Wnt signaling pathway; plus strand). Cytogenetic location: 5q22.2.
Variant type: single nucleotide variant.
Coding change: c.6880G>A on transcript NM_000038.6 (MANE Select); coding-DNA position 6880, G replaced by A.
Protein change: p.Gly2294Arg; replaces glycine 2294 with arginine.
Molecular consequence: missense variant.
Genome position (GRCh38, 1-based): chr5:112,842,474, G>A. VCF-style: chr5-112842474-G-A. GRCh37 (hg19) VCF-style: chr5-112178171-G-A.
Other names: c.6880G>A, p.Gly2294Arg (NM_001127510.3, NM_001354895.2); c.6826G>A, p.Gly2276Arg (NM_001127511.3); c.6934G>A, p.Gly2312Arg (NM_001354896.2); c.6910G>A, p.Gly2304Arg (NM_001354897.2); c.6805G>A, p.Gly2269Arg (NM_001354898.2); c.6796G>A, p.Gly2266Arg (NM_001354899.2); c.6757G>A, p.Gly2253Arg (NM_001354900.2); c.6703G>A, p.Gly2235Arg (NM_001354901.2); and 5 more; short protein forms G2276R, G2294R, G2235R, G2253R, G2304R, G2168R, G2266R, G2011R.
Identifiers: ClinVar variation 470067 (VCV000470067.17), dbSNP rs1019564963, ClinGen allele CA16036344.